The following is an entry in ClinVar:

ClinVar aggregate classification (germline): Uncertain significance. Review status: criteria provided, multiple submitters, no conflicts (2 of 4 stars). 2 submissions from 2 submitters: Uncertain significance (2). Last evaluated 2023-11-27.

Conditions:
Intellectual developmental disorder, autosomal recessive 78 (MRT78). Identifiers: MedGen C5830269, MONDO:0859373, OMIM 620237.
Hypogonadotropic hypogonadism 14 with or without anosmia (HH14). Also called: HYPOGONADOTROPIC HYPOGONADISM 14 WITHOUT ANOSMIA. Identifiers: Orphanet 478, MedGen C3540450, MONDO:0013926, OMIM 614858.
Hypogonadotropic hypogonadism 7 with or without anosmia (HH7). Also called: HYPOGONADOTROPIC HYPOGONADISM 7 WITHOUT ANOSMIA; GNRHR-Related GnRH Deficiency. Identifiers: Orphanet 432, MedGen C0342384, MONDO:0007794, OMIM 146110.

Allele frequency attached by ClinVar (database versions not stated): TOPMed below 0.00001; gnomAD 0.00001.
gnomAD v4.1: 8 of 1,614,000 alleles (0.0005%); highest among the groups gnomAD compares: Non-Finnish European, 0.00059%; no homozygotes.

Submissions (2):

Labcorp Genetics (formerly Invitae), Labcorp
Classification: Uncertain significance. Last evaluated: 2023-11-27. Review status: criteria provided, single submitter. Criteria: Invitae Variant Classification Sherloc (09022015). Collection method: clinical testing. Allele origin: germline.
Comment: This sequence change replaces isoleucine, which is neutral and non-polar, with valine, which is neutral and non-polar, at codon 135 of the WDR11 protein (p.Ile135Val). This variant is not present in population databases (gnomAD no frequency). This variant has not been reported in the literature in individuals affected with WDR11-related conditions. ClinVar contains an entry for this variant (Variation ID: 1979178). Algorithms developed to predict the effect of missense changes on protein structure and function output the following: SIFT: "Not Available"; PolyPhen-2: "Benign"; Align-GVGD: "Not Available". The valine amino acid residue is found in multiple mammalian species, which suggests that this missense change does not adversely affect protein function. In summary, the available evidence is currently insufficient to determine the role of this variant in disease. Therefore, it has been classified as a Variant of Uncertain Significance.

Department of Pathology and Laboratory Medicine, Sinai Health System
Classification: Uncertain significance for Hypogonadotropic hypogonadism 7 with or without anosmia; Hypogonadotropic hypogonadism 14 with or without anosmia; Intellectual developmental disorder, autosomal recessive 78. Last evaluated: 2021-12-13. Review status: criteria provided, single submitter. Criteria: ACMG Guidelines, 2015. Collection method: research. Allele origin: germline.

NM_018117.12(WDR11):c.403A>G (p.Ile135Val)

Gene: WDR11 (WD repeat domain 11; plus strand). Cytogenetic location: 10q26.12.
Variant type: single nucleotide variant.
Coding change: c.403A>G on transcript NM_018117.12 (MANE Select); coding-DNA position 403, A replaced by G.
Protein change: p.Ile135Val; replaces isoleucine 135 with valine.
Molecular consequence: missense variant.
Genome position (GRCh38, 1-based): chr10:120,860,159, A>G. VCF-style: chr10-120860159-A-G. GRCh37 (hg19) VCF-style: chr10-122619671-A-G.
Other names: short protein forms I135V.
Identifiers: ClinVar variation 1979178 (VCV001979178.5), dbSNP rs1421777263, ClinGen allele CA378318475.
Genomic context (GRCh38, chr10:120,860,159, plus strand): 5'-GTCTTTCCAGATGTTCAGTGGTTGTGGAATCAAGATGCTTCCCGCGATTTACTGCTTGCT[A>G]TCCACCCGCCAAATTACATTGTGCTCTGGAATGCCGACACTGGCACCAAACTATGGAAGA-3'
Protein context (NP_060587.8, residues 125-145): QDASRDLLLA[Ile135Val]HPPNYIVLWN